The following is an entry in ClinVar:

ClinVar aggregate classification (germline): Benign/Likely benign. Review status: criteria provided, multiple submitters, no conflicts (2 of 4 stars). 4 submissions from 4 submitters: Benign (2); Likely benign (2). Last evaluated 2026-01-20.

Allele frequency attached by ClinVar (database versions not stated): gnomAD exomes 0.00028 and 0.00071; ExAC 0.00108; gnomAD 0.00320 and 0.00329; ESP Exome Variant Server 0.00327; TOPMed 0.00371; 1000 Genomes Project 0.00579; 1000 Genomes Project 30x 0.00593.
gnomAD v4.1: 937 of 1,610,840 alleles (0.058%); highest among the groups gnomAD compares: African/African-American, 1.1%; 6 homozygotes.

Submissions (4):

Labcorp Genetics (formerly Invitae), Labcorp
Classification: Benign. Last evaluated: 2026-01-20. Review status: criteria provided, single submitter. Criteria: Invitae Variant Classification Sherloc (09022015). Collection method: clinical testing. Allele origin: germline.

CeGaT Center for Human Genetics Tuebingen
Classification: Likely benign. Last evaluated: 2026-01-01. Review status: criteria provided, single submitter. Criteria: CeGaT Center For Human Genetics Tuebingen Variant Classification Criteria Version 2. Collection method: clinical testing. Allele origin: germline. Affected: yes. Observed: 2 variant alleles.
Comment: RIN2: BP4, BS1

Blueprint Genetics
Classification: Likely benign. Last evaluated: 2024-10-09. Review status: criteria provided, single submitter. Criteria: ACMG Guidelines, 2015. Collection method: clinical testing. Allele origin: germline.

GeneDx
Classification: Benign. Last evaluated: 2019-07-22. Review status: criteria provided, single submitter. Criteria: GeneDx Variant Classification Process June 2021. Collection method: clinical testing. Allele origin: germline. Affected: yes.

NM_018993.4(RIN2):c.2069-8G>A

Gene: RIN2 (Ras and Rab interactor 2; plus strand). Cytogenetic location: 20p11.23.
Variant type: single nucleotide variant.
Coding change: c.2069-8G>A on transcript NM_018993.4 (MANE Select); 8 bases into the intron before coding-DNA position 2069, G replaced by A.
Molecular consequence: intron variant.
Genome position (GRCh38, 1-based): chr20:19,992,160, G>A. VCF-style: chr20-19992160-G-A. GRCh37 (hg19) VCF-style: chr20-19972804-G-A.
Other names: c.1451-8G>A (NM_001378238.1); c.2216-8G>A (NM_001242581.2).
Identifiers: ClinVar variation 390580 (VCV000390580.21), dbSNP rs78124032, ClinGen allele CA9780215.